The following is an entry in ClinVar:

NM_000903.3(NQO1):c.115G>C (p.Glu39Gln)

Gene: NQO1 (NAD(P)H quinone dehydrogenase 1; minus strand). Cytogenetic location: 16q22.1.
Variant type: single nucleotide variant.
Coding change: c.115G>C on transcript NM_000903.3 (MANE Select); coding-DNA position 115, G replaced by C.
Protein change: p.Glu39Gln; replaces glutamic acid 39 with glutamine.
Molecular consequence: missense variant.
Genome position (GRCh38, 1-based): chr16:69,718,427, C>G on the plus strand (G>C on the coding strand, the complement: NQO1 is on the minus strand). VCF-style: chr16-69718427-C-G. GRCh37 (hg19) VCF-style: chr16-69752330-C-G.
Other names: c.115G>C, p.Glu39Gln (NM_001025433.2, NM_001025434.2, NM_001286137.2); short protein forms E39Q.
Identifiers: ClinVar variation 1736411 (VCV001736411.2), dbSNP rs2544333234, ClinGen allele CA396491589.

ClinVar aggregate classification (germline): Uncertain significance (1 of 4 stars; one submission).

Submission:

Ambry Genetics
Classification: Uncertain significance. Last evaluated: 2022-02-12. Review status: criteria provided, single submitter. Criteria: Ambry Variant Classification Scheme 2023. Collection method: clinical testing. Allele origin: germline.
Comment: The p.E39Q variant (also known as c.115G>C), located in coding exon 2 of the NQO1 gene, results from a G to C substitution at nucleotide position 115. The glutamic acid at codon 39 is replaced by glutamine, an amino acid with highly similar properties. This amino acid position is conserved. In addition, this alteration is predicted to be tolerated by in silico analysis. Since supporting evidence is limited at this time, the clinical significance of this alteration remains unclear.